The following is an entry in ClinVar:

ClinVar aggregate classification (germline): Uncertain significance (1 of 4 stars; one submission).

Conditions:
Nemaline myopathy 6 (NEM6). Also called: Nemaline myopathy 6, autosomal dominant. Identifiers: Orphanet 171439, MedGen C1836472, MONDO:0012237, OMIM 609273.

Allele frequency attached by ClinVar (database versions not stated): TOPMed below 0.00001; gnomAD 0.00001.

Submission:

Labcorp Genetics (formerly Invitae), Labcorp
Classification: Uncertain significance for Nemaline myopathy 6. Last evaluated: 2021-04-10. Review status: criteria provided, single submitter. Criteria: Invitae Variant Classification Sherloc (09022015). Collection method: clinical testing. Allele origin: germline.
Comment: This variant has not been reported in the literature in individuals with KBTBD13-related conditions. This sequence change replaces tyrosine with histidine at codon 354 of the KBTBD13 protein (p.Tyr354His). The tyrosine residue is highly conserved and there is a moderate physicochemical difference between tyrosine and histidine. This variant is not present in population databases (ExAC no frequency). Algorithms developed to predict the effect of missense changes on protein structure and function (SIFT, PolyPhen-2, Align-GVGD) all suggest that this variant is likely to be disruptive, but these predictions have not been confirmed by published functional studies and their clinical significance is uncertain. In summary, the available evidence is currently insufficient to determine the role of this variant in disease. Therefore, it has been classified as a Variant of Uncertain Significance.

NM_001101362.3(KBTBD13):c.1060T>C (p.Tyr354His)

Gene: KBTBD13 (kelch repeat and BTB domain containing 13; plus strand). Cytogenetic location: 15q22.31.
Variant type: single nucleotide variant.
Coding change: c.1060T>C on transcript NM_001101362.3 (MANE Select); coding-DNA position 1060, T replaced by C.
Protein change: p.Tyr354His; replaces tyrosine 354 with histidine.
Molecular consequence: missense variant.
Genome position (GRCh38, 1-based): chr15:65,077,875, T>C. VCF-style: chr15-65077875-T-C. GRCh37 (hg19) VCF-style: chr15-65370213-T-C.
Other names: short protein forms Y354H.
Identifiers: ClinVar variation 1382618 (VCV001382618.8), dbSNP rs1215359382, ClinGen allele CA392865343.
Genomic context (GRCh38, chr15:65,077,875, plus strand): 5'-GCCGAGCTGCGGCGTCCGCAGAGCTATGGCCACTGCATGGTGGCCCACCGCGACAGCCTC[T>C]ATGTGGTGCGCAACGGACCTTCCGACGACTTCCTGCACTGCGCCATCGACTGTCTCAACC-3'
Protein context (NP_001094832.1, residues 344-364): HCMVAHRDSL[Tyr354His]VVRNGPSDDF